The following is an entry in ClinVar:

ClinVar aggregate classification (germline): Uncertain significance (1 of 4 stars; one submission).

Conditions:
Noonan syndrome 9 (NS9). Identifiers: Orphanet 648, MedGen C4225282, MONDO:0014691, OMIM 616559.

Submission:

Labcorp Genetics (formerly Invitae), Labcorp
Classification: Uncertain significance for Noonan syndrome 9. Last evaluated: 2025-10-13. Review status: criteria provided, single submitter. Criteria: Invitae Variant Classification Sherloc (09022015). Collection method: clinical testing. Allele origin: germline.
Comment: This sequence change replaces proline, which is neutral and non-polar, with serine, which is neutral and polar, at codon 1022 of the SOS2 protein (p.Pro1022Ser). This variant is not present in population databases (gnomAD no frequency). This variant has not been reported in the literature in individuals affected with SOS2-related conditions. Invitae Evidence Modeling of protein sequence and biophysical properties (such as structural, functional, and spatial information, amino acid conservation, physicochemical variation, residue mobility, and thermodynamic stability) indicates that this missense variant is not expected to disrupt SOS2 protein function with a negative predictive value of 95%. In summary, the available evidence is currently insufficient to determine the role of this variant in disease. Therefore, it has been classified as a Variant of Uncertain Significance.

NM_006939.4(SOS2):c.3064C>T (p.Pro1022Ser)

Gene: SOS2 (SOS Ras/Rho guanine nucleotide exchange factor 2; minus strand). Cytogenetic location: 14q21.3.
Variant type: single nucleotide variant.
Coding change: c.3064C>T on transcript NM_006939.4 (MANE Select); coding-DNA position 3064, C replaced by T.
Protein change: p.Pro1022Ser; replaces proline 1022 with serine.
Molecular consequence: missense variant.
Genome position (GRCh38, 1-based): chr14:50,134,134, G>A on the plus strand (C>T on the coding strand, the complement: SOS2 is on the minus strand). VCF-style: chr14-50134134-G-A. GRCh37 (hg19) VCF-style: chr14-50600852-G-A.
Other names: c.2965C>T, p.Pro989Ser (NM_001411020.1); short protein forms P1022S, P989S.
Identifiers: ClinVar variation 4801984 (VCV004801984.1).